The following is an entry in ClinVar:

NM_001382391.1(CSPP1):c.3072G>C (p.Lys1024Asn)

Genes: ARFGEF1 (ARF guanine nucleotide exchange factor 1; minus strand), CSPP1 (centrosome and spindle pole associated protein 1; plus strand). Cytogenetic location: 8q13.2.
Variant type: single nucleotide variant.
Coding change: c.3072G>C on transcript NM_001382391.1 (MANE Select); coding-DNA position 3072, G replaced by C.
Protein change: p.Lys1024Asn; replaces lysine 1024 with asparagine.
Molecular consequence: missense variant. On other transcripts: 3 prime UTR variant (2).
Genome position (GRCh38, 1-based): chr8:67,175,399, G>C. VCF-style: chr8-67175399-G-C. GRCh37 (hg19) VCF-style: chr8-68087634-G-C.
Other names: c.*156C>G (NM_001413186.1, NM_001413187.1); c.2022G>C, p.Lys674Asn (NM_001291339.2); c.2991G>C, p.Lys997Asn (NM_001363131.2); c.2877G>C, p.Lys959Asn (NM_001363132.2); c.2796G>C, p.Lys932Asn (NM_001363133.2); c.3138G>C, p.Lys1046Asn (NM_001364869.1); c.2958G>C, p.Lys986Asn (NM_001364870.1); c.2904G>C, p.Lys968Asn (NM_001438330.1); and 2 more; short protein forms K959N, K1024N, K986N, K997N, K1019N, K1046N, K674N, K932N.
Identifiers: ClinVar variation 2102329 (VCV002102329.5), dbSNP rs2129568569, ClinGen allele CA371197479.

ClinVar aggregate classification (germline): Uncertain significance. Review status: criteria provided, multiple submitters, no conflicts (2 of 4 stars). 2 submissions from 2 submitters: Uncertain significance (2). Last evaluated 2024-08-11.

Conditions:
Joubert syndrome 21 (JBTS21). Identifiers: MedGen C3810212, MONDO:0014288, OMIM 615636.

Submissions (2):

Blueprint Genetics
Classification: Uncertain significance. Last evaluated: 2024-08-11. Review status: criteria provided, single submitter. Criteria: ACMG Guidelines, 2015. Collection method: clinical testing. Allele origin: germline.

Labcorp Genetics (formerly Invitae), Labcorp
Classification: Uncertain significance for Joubert syndrome 21. Last evaluated: 2022-02-23. Review status: criteria provided, single submitter. Criteria: Invitae Variant Classification Sherloc (09022015). Collection method: clinical testing. Allele origin: germline.
Comment: In summary, the available evidence is currently insufficient to determine the role of this variant in disease. Therefore, it has been classified as a Variant of Uncertain Significance. Algorithms developed to predict the effect of missense changes on protein structure and function are either unavailable or do not agree on the potential impact of this missense change (SIFT: "Tolerated"; PolyPhen-2: "Possibly Damaging"; Align-GVGD: "Class C0"). This variant has not been reported in the literature in individuals affected with CSPP1-related conditions. This variant is not present in population databases (gnomAD no frequency). This sequence change replaces lysine, which is basic and polar, with asparagine, which is neutral and polar, at codon 1019 of the CSPP1 protein (p.Lys1019Asn).